The following is an entry in ClinVar:

ClinVar aggregate classification (germline): Uncertain significance (1 of 4 stars; one submission).

Submission:

Labcorp Genetics (formerly Invitae), Labcorp
Classification: Uncertain significance. Last evaluated: 2021-12-02. Review status: criteria provided, single submitter. Criteria: Invitae Variant Classification Sherloc (09022015). Collection method: clinical testing. Allele origin: germline.
Comment: This variant is not present in population databases (gnomAD no frequency). In summary, the available evidence is currently insufficient to determine the role of this variant in disease. Therefore, it has been classified as a Variant of Uncertain Significance. Algorithms developed to predict the effect of missense changes on protein structure and function are either unavailable or do not agree on the potential impact of this missense change (SIFT: "Tolerated"; PolyPhen-2: "Probably Damaging"; Align-GVGD: "Class C0"). This variant has not been reported in the literature in individuals affected with ERCC8-related conditions. This sequence change replaces serine, which is neutral and polar, with asparagine, which is neutral and polar, at codon 118 of the ERCC8 protein (p.Ser118Asn).

NM_000082.4(ERCC8):c.353G>A (p.Ser118Asn)

Genes: ERCC8 (ERCC excision repair 8, CSA ubiquitin ligase complex subunit; minus strand), ERCC8-AS1 (ERCC8 antisense RNA 1; plus strand). Cytogenetic location: 5q12.1.
Variant type: single nucleotide variant.
Coding change: c.353G>A on transcript NM_000082.4 (MANE Select); coding-DNA position 353, G replaced by A.
Protein change: p.Ser118Asn; replaces serine 118 with asparagine.
Molecular consequence: missense variant. On other transcripts: 5 prime UTR variant (1).
Genome position (GRCh38, 1-based): chr5:60,918,311, C>T on the plus strand (G>A on the coding strand, the complement: ERCC8 is on the minus strand). VCF-style: chr5-60918311-C-T. GRCh37 (hg19) VCF-style: chr5-60214138-C-T.
Other names: c.179G>A, p.Ser60Asn (NM_001007233.3); c.353G>A, p.Ser118Asn (NM_001007234.3); c.-25G>A (NM_001290285.2); short protein forms S118N, S60N.
Identifiers: ClinVar variation 1497683 (VCV001497683.6), dbSNP rs2112516734, ClinGen allele CA359827921.